The following is an entry in ClinVar:

NM_031407.7(HUWE1):c.12137+9C>T

Gene: HUWE1 (HECT, UBA and WWE domain containing E3 ubiquitin protein ligase 1; minus strand). Cytogenetic location: Xp11.22.
Variant type: single nucleotide variant.
Coding change: c.12137+9C>T on transcript NM_031407.7 (MANE Select); 9 bases into the intron after coding-DNA position 12137, C replaced by T.
Molecular consequence: intron variant.
Genome position (GRCh38, 1-based): chrX:53,537,547, G>A on the plus strand (C>T on the coding strand, the complement: HUWE1 is on the minus strand). VCF-style: chrX-53537547-G-A. GRCh37 (hg19) VCF-style: chrX-53564508-G-A.
Identifiers: ClinVar variation 717131 (VCV000717131.12), dbSNP rs186915283, ClinGen allele CA10421277.

ClinVar aggregate classification (germline): Benign. Review status: criteria provided, multiple submitters, no conflicts (2 of 4 stars). 3 submissions from 3 submitters: Benign (2). 1 of the submissions does not count toward it. Last evaluated 2025-11-02.

Conditions:
HUWE1-related disorder. Also called: HUWE1-related condition.

Allele frequency attached by ClinVar (database versions not stated): gnomAD exomes 0.00010 and 0.00026; ExAC 0.00042; 1000 Genomes Project 30x 0.00062; 1000 Genomes Project 0.00079; gnomAD 0.00102 and 0.00107; ESP Exome Variant Server 0.00114; TOPMed 0.00123.
gnomAD v4.1: 230 of 1,207,905 alleles (0.019%); highest among the groups gnomAD compares: African/African-American, 0.37%; no homozygotes.

Submissions (3):

Labcorp Genetics (formerly Invitae), Labcorp
Classification: Benign. Last evaluated: 2025-11-02. Review status: criteria provided, single submitter. Criteria: Invitae Variant Classification Sherloc (09022015). Collection method: clinical testing. Allele origin: germline.

GeneDx
Classification: Benign. Last evaluated: 2021-03-04. Review status: criteria provided, single submitter. Criteria: GeneDx Variant Classification Process June 2021. Collection method: clinical testing. Allele origin: germline. Affected: yes.

PreventionGenetics, part of Exact Sciences
Classification: Likely benign for HUWE1-related condition. Last evaluated: 2022-12-05. Review status: no assertion criteria provided. Collection method: clinical testing. Allele origin: germline. Not counted in ClinVar's aggregate classification.
Comment: This variant is classified as likely benign based on ACMG/AMP sequence variant interpretation guidelines (Richards et al. 2015 PMID: 25741868, with internal and published modifications).